The following is an entry in ClinVar:

NM_001267550.2(TTN):c.133_137delinsC (p.Val45fs)

Gene: TTN (titin; minus strand). Cytogenetic location: 2q31.2.
Variant type: Indel.
Coding change: c.133_137delinsC on transcript NM_001267550.2 (MANE Select); coding-DNA positions 133 to 137, GTGAT replaced by C.
Protein change: p.Val45fs; shifts the reading frame from valine 45.
Molecular consequence: frameshift variant.
Genome position (GRCh38, 1-based): chr2:178,802,296-178,802,300, ATCAC replaced by G on the plus strand (GTGAT replaced by C on the coding strand, the reverse complement: TTN is on the minus strand). VCF-style: chr2-178802296-ATCAC-G. GRCh37 (hg19) VCF-style: chr2-179667023-ATCAC-G.
Other names: c.133_137delinsC, p.Val45fs (NM_001256850.1, NM_003319.4, NM_133378.4 and 3 more transcripts); c.133_137delGTGATinsC (NM_003319.4); short protein forms V45fs.
Identifiers: ClinVar variation 3812247 (VCV003812247.1).

ClinVar aggregate classification (germline): Likely pathogenic (1 of 4 stars; one submission).

Conditions:
Cardiovascular phenotype. Identifiers: MedGen CN230736.

Submission:

Ambry Genetics
Classification: Likely pathogenic for Cardiovascular phenotype. Last evaluated: 2025-01-28. Review status: criteria provided, single submitter. Criteria: Ambry Variant Classification Scheme 2023. Collection method: clinical testing. Allele origin: germline.
Comment: The c.133_137delGTGATinsC variant, located in coding exon 2 of the TTN gene, results from the deletion of 5 nucleotides and insertion of one nucleotide causing a translational frameshift with a predicted alternate stop codon (p.V45Lfs*20). This exon is located in the Z-disk region of the N2-B isoform of the titin protein and is constitutively expressed in TTN transcripts (percent spliced in or PSI 100%). This variant is considered to be rare based on population cohorts in the Genome Aggregation Database (gnomAD). This variant is expected to result in loss of function by premature protein truncation or nonsense-mediated mRNA decay. While truncating variants in TTN are present in 1-3% of the general population, truncating variants in the A-band are the most common cause of dilated cardiomyopathy (Herman DS et al. N. Engl. J. Med., 2012 Feb;366:619-28; Roberts AM et al. Sci Transl Med, 2015 Jan;7:270ra6). TTN truncating variants encoded in constitutive exons (PSI >90%) have been found to be significantly associated with DCM regardless of their position in titin (Schafer S et al. Nat. Genet., 2017 01;49:46-53; Akhtar MM et al. Circ Heart Fail, 2020 Oct;13:e006832; Massier M et al. Clin Genet, 2025 Jan). Based on the majority of available evidence to date, this variant is likely to be pathogenic.

Literature cited by the submitters: PubMed 39844436.